The following is an entry in ClinVar:

NM_014915.3(ANKRD26):c.2996A>G (p.Lys999Arg)

Gene: ANKRD26 (ankyrin repeat domain 26; minus strand). Cytogenetic location: 10p12.1.
Variant type: single nucleotide variant.
Coding change: c.2996A>G on transcript NM_014915.3 (MANE Select); coding-DNA position 2996, A replaced by G.
Protein change: p.Lys999Arg; replaces lysine 999 with arginine.
Molecular consequence: missense variant.
Genome position (GRCh38, 1-based): chr10:27,035,454, T>C on the plus strand (A>G on the coding strand, the complement: ANKRD26 is on the minus strand). VCF-style: chr10-27035454-T-C. GRCh37 (hg19) VCF-style: chr10-27324383-T-C.
Other names: c.2993A>G, p.Lys998Arg (NM_001256053.2); short protein forms K999R, K998R.
Identifiers: ClinVar variation 4845118 (VCV004845118.1).

ClinVar aggregate classification (germline): Uncertain significance (1 of 4 stars; one submission).

Conditions:
Inborn genetic diseases. Identifiers: MedGen C0950123, MeSH D030342.

Submission:

Ambry Genetics
Classification: Uncertain significance for Inborn genetic diseases. Last evaluated: 2026-01-19. Review status: criteria provided, single submitter. Criteria: Ambry Variant Classification Scheme 2023. Collection method: clinical testing. Allele origin: germline.
Comment: The p.K999R variant (also known as c.2996A>G), located in coding exon 24 of the ANKRD26 gene, results from an A to G substitution at nucleotide position 2996. The lysine at codon 999 is replaced by arginine, an amino acid with highly similar properties. This amino acid position is conserved. In addition, this alteration is predicted to be tolerated by in silico analysis. Based on the available evidence, the clinical significance of this variant remains unclear.